The following is an entry in ClinVar:

ClinVar aggregate classification (germline): Pathogenic. Review status: criteria provided, multiple submitters, no conflicts (2 of 4 stars). 3 submissions from 3 submitters: Pathogenic (3). Last evaluated 2025-05-01.

Conditions:
Intellectual disability, autosomal recessive 53 (NEDHSCA). Also called: GLYCOSYLPHOSPHATIDYLINOSITOL BIOSYNTHESIS DEFECT 13; Mental retardation, autosomal recessive 53; NEURODEVELOPMENTAL DISORDER WITH OR WITHOUT HYPOTONIA, SEIZURES, AND CEREBELLAR ATROPHY. Identifiers: Orphanet 488635, MedGen C4310794, MONDO:0014832, OMIM 616917.

Submissions (3):

GeneDx
Classification: Pathogenic. Last evaluated: 2025-05-01. Review status: criteria provided, single submitter. Criteria: GeneDx Variant Classification Process June 2021. Collection method: clinical testing. Allele origin: germline. Affected: yes.
Comment: Nonsense variant predicted to result in protein truncation or nonsense mediated decay in a gene for which loss of function is a known mechanism of disease; Not observed at significant frequency in large population cohorts (gnomAD); Has not been previously published as pathogenic or benign to our knowledge

Labcorp Genetics (formerly Invitae), Labcorp
Classification: Pathogenic for Intellectual disability, autosomal recessive 53. Last evaluated: 2023-01-14. Review status: criteria provided, single submitter. Criteria: Invitae Variant Classification Sherloc (09022015). Collection method: clinical testing. Allele origin: germline.
Comment: For these reasons, this variant has been classified as Pathogenic. Algorithms developed to predict the effect of sequence changes on RNA splicing suggest that this variant may disrupt the consensus splice site. ClinVar contains an entry for this variant (Variation ID: 620287). This variant has not been reported in the literature in individuals affected with PIGG-related conditions. This variant is not present in population databases (gnomAD no frequency). This sequence change creates a premature translational stop signal (p.Trp388*) in the PIGG gene. It is expected to result in an absent or disrupted protein product. Loss-of-function variants in PIGG are known to be pathogenic (PMID: 26996948, 28581210, 28771251).

Institute of Medical Genetics and Applied Genomics, University Hospital Tübingen
Classification: Pathogenic. Last evaluated: 2020-10-23. Review status: criteria provided, single submitter. Criteria: ACMG Guidelines, 2015. Collection method: clinical testing. Allele origin: germline. Inheritance: Unknown mechanism. Affected: yes.

Literature cited by the submitters: PubMed 26996948 (cited by Labcorp Genetics (formerly Invitae), Labcorp); PubMed 28581210 (cited by Labcorp Genetics (formerly Invitae), Labcorp); PubMed 28771251 (cited by Labcorp Genetics (formerly Invitae), Labcorp).

NM_001127178.3(PIGG):c.1163G>A (p.Trp388Ter)

Gene: PIGG (phosphatidylinositol glycan anchor biosynthesis class G (EMM blood group); plus strand). Cytogenetic location: 4p16.3.
Variant type: single nucleotide variant.
Coding change: c.1163G>A on transcript NM_001127178.3 (MANE Select); coding-DNA position 1163, G replaced by A.
Protein change: p.Trp388Ter; replaces tryptophan 388 with a stop codon.
Molecular consequence: nonsense. On other transcripts: 5 prime UTR variant (2), non-coding transcript variant (10), intron variant (1).
Genome position (GRCh38, 1-based): chr4:521,104, G>A. VCF-style: chr4-521104-G-A. GRCh37 (hg19) VCF-style: chr4-514893-G-A.
Other names: c.896G>A, p.Trp299Ter (NM_001289051.2, NM_001289053.2, NM_001345986.2 and 1 more transcripts); c.764G>A, p.Trp255Ter (NM_001289052.2); c.797G>A, p.Trp266Ter (NM_001289055.2); c.134G>A, p.Trp45Ter (NM_001345988.2); c.1163G>A, p.Trp388Ter (NM_001345989.2, NM_017733.5); c.-325G>A (NM_001345990.2, NM_001345991.2); c.89G>A, p.Trp30Ter (NM_001345994.2); c.848-556G>A (NM_001289057.2); short protein forms W388*, W255*, W45*, W266*, W299*, W30*.
Identifiers: ClinVar variation 620287 (VCV000620287.9), dbSNP rs1560330387, ClinGen allele CA355903668.